The following is an entry in ClinVar:

NM_007294.4(BRCA1):c.5574C>G (p.Ile1858Met)

Gene: BRCA1 (BRCA1 DNA repair associated; minus strand). Cytogenetic location: 17q21.31.
Variant type: single nucleotide variant.
Coding change: c.5574C>G on transcript NM_007294.4 (MANE Select); coding-DNA position 5574, C replaced by G.
Protein change: p.Ile1858Met; replaces isoleucine 1858 with methionine.
Molecular consequence: missense variant. On other transcripts: 3 prime UTR variant (1), non-coding transcript variant (1).
Genome position (GRCh38, 1-based): chr17:43,045,696, G>C on the plus strand (C>G on the coding strand, the complement: BRCA1 is on the minus strand). VCF-style: chr17-43045696-G-C. GRCh37 (hg19) VCF-style: chr17-41197713-G-C.
Other names: c.5361C>G, p.Ile1787Met (NM_001407571.1, NM_001407897.1, NM_001407898.1 and 12 more transcripts); c.5640C>G, p.Ile1880Met (NM_001407581.1, NM_001407582.1); c.5637C>G, p.Ile1879Met (NM_001407583.1, NM_001407585.1, NM_001407587.1 and 1 more transcripts); c.5634C>G, p.Ile1878Met (NM_001407590.1, NM_001407591.1); c.5574C>G, p.Ile1858Met (NM_001407593.1, NM_001407594.1, NM_001407596.1 and 5 more transcripts); c.5571C>G, p.Ile1857Met (NM_001407616.1, NM_001407617.1, NM_001407618.1 and 14 more transcripts); c.5568C>G, p.Ile1856Met (NM_001407635.1, NM_001407636.1, NM_001407637.1 and 13 more transcripts); c.5565C>G, p.Ile1855Met (NM_001407644.1, NM_001407645.1); and 74 more; short protein forms I1858M, I1811M, I1879M, I754M, I1561M, I1689M, I1731M, I1788M.
Identifiers: ClinVar variation 438943 (VCV000438943.24), dbSNP rs876659941, ClinGen allele CA10590178.

ClinVar aggregate classification (germline): Conflicting classifications of pathogenicity. Review status: criteria provided, conflicting classifications (1 of 4 stars). 6 submissions from 6 submitters: Uncertain significance (5); Likely benign (1). Last evaluated 2026-06-10.

Conditions:
Hereditary breast ovarian cancer syndrome. Also called: Hereditary breast and ovarian cancer syndrome; Hereditary breast and ovarian cancer; Hereditary breast and ovarian cancer syndrome (HBOC); Breast and ovarian cancer; Hereditary breast and/or ovarian cancer syndrome; BRCA1- and BRCA2-Associated Hereditary Breast and Ovarian Cancer. Identifiers: Orphanet 145, MedGen C0677776, MeSH D061325, MONDO:0003582. Disease mechanism: loss of function.
Hereditary cancer-predisposing syndrome. Also called: Tumor predisposition; Hereditary neoplastic syndrome; Neoplastic Syndromes, Hereditary; Hereditary Cancer Syndrome. Identifiers: Orphanet 140162, MedGen C0027672, MeSH D009386, MONDO:0015356.

Allele frequency attached by ClinVar (database versions not stated): gnomAD exomes below 0.00001; TOPMed 0.00001.
gnomAD v4.1: 2 of 1,613,710 alleles (0.00012%); highest among the groups gnomAD compares: Middle Eastern, 0.016%; no homozygotes.

Submissions (6):

Women's Health and Genetics/Laboratory Corporation of America, LabCorp
Classification: Uncertain significance. Last evaluated: 2026-06-10. Review status: criteria provided, single submitter. Criteria: LabCorp Variant Classification Summary - May 2015. Collection method: clinical testing. Allele origin: germline.

Labcorp Genetics (formerly Invitae), Labcorp
Classification: Uncertain significance for Hereditary breast ovarian cancer syndrome. Last evaluated: 2025-11-10. Review status: criteria provided, single submitter. Criteria: Invitae Variant Classification Sherloc (09022015). Collection method: clinical testing. Allele origin: germline.
Comment: This sequence change replaces isoleucine, which is neutral and non-polar, with methionine, which is neutral and non-polar, at codon 1858 of the BRCA1 protein (p.Ile1858Met). This variant is present in population databases (no rsID available, gnomAD 0.0009%). This variant has not been reported in the literature in individuals affected with BRCA1-related conditions. ClinVar contains an entry for this variant (Variation ID: 438943). Invitae Evidence Modeling of protein sequence and biophysical properties (such as structural, functional, and spatial information, amino acid conservation, physicochemical variation, residue mobility, and thermodynamic stability) indicates that this missense variant is not expected to disrupt BRCA1 protein function with a negative predictive value of 95%. In summary, the available evidence is currently insufficient to determine the role of this variant in disease. Therefore, it has been classified as a Variant of Uncertain Significance.

Ambry Genetics
Classification: Uncertain significance for Hereditary cancer-predisposing syndrome. Last evaluated: 2025-08-02. Review status: criteria provided, single submitter. Criteria: Ambry Variant Classification Scheme 2023. Collection method: clinical testing. Allele origin: germline.
Comment: The p.I1858M variant (also known as c.5574C>G), located in coding exon 22 of the BRCA1 gene, results from a C to G substitution at nucleotide position 5574. The isoleucine at codon 1858 is replaced by methionine, an amino acid with highly similar properties. This amino acid position is not well conserved in available vertebrate species. In addition, the in silico prediction for this alteration is inconclusive. Since supporting evidence is limited at this time, the clinical significance of this alteration remains unclear.

Mayo Clinic Laboratories, Mayo Clinic
Classification: Likely benign. Last evaluated: 2024-06-21. Review status: criteria provided, single submitter. Criteria: ACMG Guidelines, 2015. Collection method: clinical testing. Allele origin: germline. Observed: 2 variant alleles.
Comment: BP1_strong

GeneDx
Classification: Uncertain significance. Last evaluated: 2023-01-17. Review status: criteria provided, single submitter. Criteria: GeneDx Variant Classification Process June 2021. Collection method: clinical testing. Allele origin: germline. Affected: yes.
Comment: Not observed at significant frequency in large population cohorts (gnomAD); In silico analysis supports that this missense variant does not alter protein structure/function; Has not been previously published as pathogenic or benign to our knowledge; Also known as 5693C>G

Quest Diagnostics Nichols Institute San Juan Capistrano
Classification: Uncertain significance. Last evaluated: 2017-02-20. Review status: criteria provided, single submitter. Criteria: Quest Diagnostics criteria. Collection method: clinical testing. Allele origin: germline.